The following is an entry in ClinVar:

NM_004304.5(ALK):c.3321C>A (p.Asp1107Glu)

Gene: ALK (ALK receptor tyrosine kinase; minus strand). Cytogenetic location: 2p23.2.
Variant type: single nucleotide variant.
Coding change: c.3321C>A on transcript NM_004304.5 (MANE Select); coding-DNA position 3321, C replaced by A.
Protein change: p.Asp1107Glu; replaces aspartic acid 1107 with glutamic acid.
Molecular consequence: missense variant.
Genome position (GRCh38, 1-based): chr2:29,223,380, G>T on the plus strand (C>A on the coding strand, the complement: ALK is on the minus strand). VCF-style: chr2-29223380-G-T. GRCh37 (hg19) VCF-style: chr2-29446246-G-T.
Other names: c.117C>A, p.Asp39Glu (NM_001353765.2); short protein forms D1107E, D39E.
Identifiers: ClinVar variation 538186 (VCV000538186.9), dbSNP rs1553394438, ClinGen allele CA346464725.

ClinVar aggregate classification (germline): Uncertain significance. Review status: criteria provided, multiple submitters, no conflicts (2 of 4 stars). 2 submissions from 2 submitters: Uncertain significance (2). Last evaluated 2024-02-23.

Conditions:
Neuroblastoma, susceptibility to, 3. Also called: ALK-Related Neuroblastic Tumor Susceptibility. Identifiers: Orphanet 635, MedGen C2751681, MONDO:0013083, OMIM 613014.

Allele frequency attached by ClinVar (database versions not stated): gnomAD below 0.00001 and 0.00001.
gnomAD v4.1: 1 of 1,614,090 alleles (0.000062%); highest among the groups gnomAD compares: South Asian, 0.0011%; no homozygotes.

Submissions (2):

Baylor Genetics
Classification: Uncertain significance for Neuroblastoma, susceptibility to, 3. Last evaluated: 2024-02-23. Review status: criteria provided, single submitter. Criteria: ACMG Guidelines, 2015. Collection method: clinical testing. Allele origin: unknown.

Labcorp Genetics (formerly Invitae), Labcorp
Classification: Uncertain significance for Neuroblastoma, susceptibility to, 3. Last evaluated: 2017-10-13. Review status: criteria provided, single submitter. Criteria: Invitae Variant Classification Sherloc (09022015). Collection method: clinical testing. Allele origin: germline.
Comment: This variant has not been reported in the literature in individuals with ALK-related disease. In summary, the available evidence is currently insufficient to determine the role of this variant in disease. Therefore, it has been classified as a Variant of Uncertain Significance. Algorithms developed to predict the effect of missense changes on protein structure and function (SIFT, PolyPhen-2, Align-GVGD) all suggest that this variant is likely to be tolerated, but these predictions have not been confirmed by published functional studies and their clinical significance is uncertain. This variant is not present in population databases (ExAC no frequency). This sequence change replaces aspartic acid with glutamic acid at codon 1107 of the ALK protein (p.Asp1107Glu). The aspartic acid residue is highly conserved and there is a small physicochemical difference between aspartic acid and glutamic acid.